The following is an entry in ClinVar:

ClinVar aggregate classification (germline): Pathogenic (1 of 4 stars; one submission).

Conditions:
Hydrocephalus, nonsyndromic, autosomal recessive 1 (HYC1). Also called: Hydrocephalus, nonsyndromic, autosomal recessive; Congenital hydrocephalus 1. Identifiers: Orphanet 2185, MedGen C3887608, MONDO:0009360, OMIM 236600.

Submission:

Myriad Genetics, Inc.
Classification: Pathogenic for Hydrocephalus, nonsyndromic, autosomal recessive 1. Last evaluated: 2025-08-06. Review status: criteria provided, single submitter. Criteria: Myriad Autosomal Dominant, Autosomal Recessive and X-Linked Classification Criteria (2023). Collection method: clinical testing. Allele origin: unknown.
Comment: NM_001080414.3(CCDC88C):c.1949delA(K650Rfs*2) is expected to be pathogenic in the context of congenital hydrocephalus, CCDC88C-related. This variant is predicted to lead to an abnormal or absent protein product due to the creation of a premature termination codon in CCDC88C, a gene where loss-of-function variants are known to be pathogenic. Please note: this variant was assessed in the context of healthy population screening.

NM_001080414.4(CCDC88C):c.1949del (p.Lys650fs)

Gene: CCDC88C (coiled-coil and HOOK domain protein 88C; minus strand). Cytogenetic location: 14q32.11.
Variant type: Deletion.
Coding change: c.1949del on transcript NM_001080414.4 (MANE Select); coding-DNA position 1949, one base deleted (A; older notation c.1949delA).
Protein change: p.Lys650fs; shifts the reading frame from lysine 650.
Molecular consequence: frameshift variant. On other transcripts: non-coding transcript variant (2).
Genome position (GRCh38, 1-based): chr14:91,313,867, T deleted on the plus strand (A on the coding strand, the reverse complement: CCDC88C is on the minus strand); the first of 2 consecutive T bases (chr14:91,313,867-91,313,868); deleting either gives the same sequence. VCF-style (leftmost placement, unchanged base first): chr14-91313866-CT-C. GRCh37 (hg19) VCF-style: chr14-91780210-CT-C.
Other names: short protein forms K650fs.
Identifiers: ClinVar variation 5014825 (VCV005014825.1).